The following is an entry in ClinVar:

ClinVar aggregate classification (germline): Uncertain significance (1 of 4 stars; one submission).

Submission:

Labcorp Genetics (formerly Invitae), Labcorp
Classification: Uncertain significance. Last evaluated: 2025-07-16. Review status: criteria provided, single submitter. Criteria: Invitae Variant Classification Sherloc (09022015). Collection method: clinical testing. Allele origin: germline.
Comment: This sequence change replaces cysteine, which is neutral and slightly polar, with tryptophan, which is neutral and slightly polar, at codon 1135 of the TET2 protein (p.Cys1135Trp). This variant is not present in population databases (gnomAD no frequency). This variant has not been reported in the literature in individuals affected with TET2-related conditions. An algorithm developed to predict the effect of missense changes on protein structure and function (PolyPhen-2) suggests that this variant is likely to be disruptive. In summary, the available evidence is currently insufficient to determine the role of this variant in disease. Therefore, it has been classified as a Variant of Uncertain Significance.

NM_001127208.3(TET2):c.3405T>G (p.Cys1135Trp)

Genes: TET2 (tet methylcytosine dioxygenase 2; plus strand), TET2-AS1 (TET2 antisense RNA 1; minus strand). Cytogenetic location: 4q24.
Variant type: single nucleotide variant.
Coding change: c.3405T>G on transcript NM_001127208.3 (MANE Select); coding-DNA position 3405, T replaced by G.
Protein change: p.Cys1135Trp; replaces cysteine 1135 with tryptophan.
Molecular consequence: missense variant.
Genome position (GRCh38, 1-based): chr4:105,237,347, T>G. VCF-style: chr4-105237347-T-G. GRCh37 (hg19) VCF-style: chr4-106158504-T-G.
Other names: c.3405T>G, p.Cys1135Trp (NM_017628.4); short protein forms C1135W.
Identifiers: ClinVar variation 4767936 (VCV004767936.1).